The following is an entry in ClinVar:

ClinVar aggregate classification (germline): Uncertain significance. Review status: criteria provided, multiple submitters, no conflicts (2 of 4 stars). 2 submissions from 2 submitters: Uncertain significance (2). Last evaluated 2024-12-10.

Conditions:
TAOK2-related disorder. Also called: TAOK2-related condition.

Allele frequency attached by ClinVar (database versions not stated): gnomAD 0.00002; TOPMed 0.00002; gnomAD exomes 0.00004; ExAC 0.00007.
gnomAD v4.1: 63 of 1,591,772 alleles (0.004%); highest among the groups gnomAD compares: East Asian, 0.13%; no homozygotes.

Submissions (2):

PreventionGenetics, part of Exact Sciences
Classification: Uncertain significance for TAOK2-related condition. Last evaluated: 2024-12-10. Review status: criteria provided, single submitter. Criteria: ACMG Guidelines, 2015. Collection method: clinical testing. Allele origin: germline.
Comment: The TAOK2 c.3194C>T variant is predicted to result in the amino acid substitution p.Ala1065Val. To our knowledge, this variant has not been reported in the literature. This variant is reported in 0.068% of alleles in individuals of East Asian descent in gnomAD. At this time, the clinical significance of this variant is uncertain due to the absence of conclusive functional and genetic evidence.

Labcorp Genetics (formerly Invitae), Labcorp
Classification: Uncertain significance. Last evaluated: 2023-03-19. Review status: criteria provided, single submitter. Criteria: Invitae Variant Classification Sherloc (09022015). Collection method: clinical testing. Allele origin: germline.
Comment: In summary, the available evidence is currently insufficient to determine the role of this variant in disease. Therefore, it has been classified as a Variant of Uncertain Significance. An algorithm developed to predict the effect of missense changes on protein structure and function (PolyPhen-2) suggests that this variant is likely to be tolerated. This variant has not been reported in the literature in individuals affected with TAOK2-related conditions. This variant is present in population databases (rs774325942, gnomAD 0.07%), and has an allele count higher than expected for a pathogenic variant. This sequence change replaces alanine, which is neutral and non-polar, with valine, which is neutral and non-polar, at codon 1065 of the TAOK2 protein (p.Ala1065Val).

NM_016151.4(TAOK2):c.3194C>T (p.Ala1065Val)

Gene: TAOK2 (TAO kinase 2; plus strand). Cytogenetic location: 16p11.2.
Variant type: single nucleotide variant.
Coding change: c.3194C>T on transcript NM_016151.4 (MANE Select); coding-DNA position 3194, C replaced by T.
Protein change: p.Ala1065Val; replaces alanine 1065 with valine.
Molecular consequence: missense variant. On other transcripts: intron variant (1).
Genome position (GRCh38, 1-based): chr16:29,987,466, C>T. VCF-style: chr16-29987466-C-T. GRCh37 (hg19) VCF-style: chr16-29998787-C-T.
Other names: c.3194C>T (NM_016151.3); c.2855C>T, p.Ala952Val (NM_001252043.2); c.2232+962C>T (NM_004783.4); short protein forms A1065V, A952V.
Identifiers: ClinVar variation 2886536 (VCV002886536.4), dbSNP rs774325942, ClinGen allele CA7998513.
Genomic context (GRCh38, chr16:29,987,466, plus strand): 5'-TTGGAGCTGCCTGGCTCTTAGCTTGGCCAGGCCTAGCTCTACCTCTGGTGGCTATGGCAG[C>T]GGGGGGCAGATGGGTGCGGCAGCAGGGCCCCCGGGTGCGCCGGGGCATATCTCGACTCTG-3'
Protein context (NP_057235.2, residues 1055-1075): GLALPLVAMA[Ala1065Val]GGRWVRQQGP